The following is an entry in ClinVar:

NM_001122769.3(LCA5):c.1326dup (p.Leu443fs)

Gene: LCA5 (lebercilin LCA5; minus strand). Cytogenetic location: 6q14.1.
Variant type: Duplication.
Coding change: c.1326dup on transcript NM_001122769.3 (MANE Select); coding-DNA position 1326, one base duplicated (A; older notation c.1326dupA).
Protein change: p.Leu443fs; shifts the reading frame from leucine 443.
Molecular consequence: frameshift variant.
Genome position (GRCh38, 1-based): chr6:79,487,772, T duplicated on the plus strand (A on the coding strand, the reverse complement: LCA5 is on the minus strand); the first of 2 consecutive T bases (chr6:79,487,772-79,487,773); duplicating either gives the same sequence. VCF-style (leftmost placement, unchanged base first): chr6-79487771-G-GT. GRCh37 (hg19) VCF-style: chr6-80197488-G-GT.
Other names: c.1326dup, p.Leu443fs (NM_181714.4); short protein forms L443fs.
Identifiers: ClinVar variation 1383482 (VCV001383482.8), dbSNP rs1188175909, ClinGen allele CA568599235.

ClinVar aggregate classification (germline): Pathogenic (1 of 4 stars; one submission).

Submission:

Labcorp Genetics (formerly Invitae), Labcorp
Classification: Pathogenic. Last evaluated: 2022-06-29. Review status: criteria provided, single submitter. Criteria: Invitae Variant Classification Sherloc (09022015). Collection method: clinical testing. Allele origin: germline.
Comment: For these reasons, this variant has been classified as Pathogenic. This variant disrupts a region of the LCA5 protein in which other variant(s) (p.Lys586*) have been determined to be pathogenic (PMID: 23946133, 27624628). This suggests that this is a clinically significant region of the protein, and that variants that disrupt it are likely to be disease-causing. This variant has not been reported in the literature in individuals affected with LCA5-related conditions. This variant is present in population databases (no rsID available, gnomAD 0.007%). This sequence change creates a premature translational stop signal (p.Leu443Thrfs*11) in the LCA5 gene. While this is not anticipated to result in nonsense mediated decay, it is expected to disrupt the last 255 amino acid(s) of the LCA5 protein.

Literature cited by the submitters: PubMed 23946133; PubMed 27624628.